The following is an entry in ClinVar:

NM_001848.3(COL6A1):c.2946C>G (p.His982Gln)

Gene: COL6A1 (collagen type VI alpha 1 chain; plus strand). Cytogenetic location: 21q22.3.
Variant type: single nucleotide variant.
Coding change: c.2946C>G on transcript NM_001848.3 (MANE Select); coding-DNA position 2946, C replaced by G.
Protein change: p.His982Gln; replaces histidine 982 with glutamine.
Molecular consequence: missense variant.
Genome position (GRCh38, 1-based): chr21:46,003,872, C>G. VCF-style: chr21-46003872-C-G. GRCh37 (hg19) VCF-style: chr21-47423786-C-G.
Other names: short protein forms H982Q.
Identifiers: ClinVar variation 2788010 (VCV002788010.3), dbSNP rs1208174016, ClinGen allele CA410541562.

ClinVar aggregate classification (germline): Uncertain significance (1 of 4 stars; one submission).

Conditions:
Bethlem myopathy 1A. Also called: Bethlem myopathy 1; MYOPATHY, BENIGN CONGENITAL, WITH CONTRACTURES; Bethlem Muscular Dystrophy. Identifiers: Orphanet 610, MedGen CN029274, MONDO:0024530, OMIM 158810.

Submission:

Labcorp Genetics (formerly Invitae), Labcorp
Classification: Uncertain significance for Bethlem myopathy 1A. Last evaluated: 2023-01-26. Review status: criteria provided, single submitter. Criteria: Invitae Variant Classification Sherloc (09022015). Collection method: clinical testing. Allele origin: germline.
Comment: This sequence change replaces histidine, which is basic and polar, with glutamine, which is neutral and polar, at codon 982 of the COL6A1 protein (p.His982Gln). This variant is not present in population databases (gnomAD no frequency). This variant has not been reported in the literature in individuals affected with COL6A1-related conditions. Advanced modeling of protein sequence and biophysical properties (such as structural, functional, and spatial information, amino acid conservation, physicochemical variation, residue mobility, and thermodynamic stability) performed at Invitae indicates that this missense variant is not expected to disrupt COL6A1 protein function. In summary, the available evidence is currently insufficient to determine the role of this variant in disease. Therefore, it has been classified as a Variant of Uncertain Significance.